The following is an entry in ClinVar:

NM_000059.4(BRCA2):c.7820C>T (p.Thr2607Ile)

Gene: BRCA2 (BRCA2 DNA repair associated; plus strand). Cytogenetic location: 13q13.1.
Variant type: single nucleotide variant.
Coding change: c.7820C>T on transcript NM_000059.4 (MANE Select); coding-DNA position 7820, C replaced by T.
Protein change: p.Thr2607Ile; replaces threonine 2607 with isoleucine.
Molecular consequence: missense variant.
Genome position (GRCh38, 1-based): chr13:32,362,537, C>T. VCF-style: chr13-32362537-C-T. GRCh37 (hg19) VCF-style: chr13-32936674-C-T.
Other names: short protein forms T2607I.
Identifiers: ClinVar variation 482993 (VCV000482993.21), dbSNP rs1555286821, ClinGen allele CA387746983.

ClinVar aggregate classification (germline): Conflicting classifications of pathogenicity. Review status: criteria provided, conflicting classifications (1 of 4 stars). 5 submissions from 5 submitters: Uncertain significance (3); Likely benign (1). 1 of the submissions does not count toward it. Last evaluated 2026-01-26.

Conditions:
Hereditary breast ovarian cancer syndrome. Also called: Hereditary breast and ovarian cancer; Hereditary breast and ovarian cancer syndrome (HBOC); Hereditary breast and ovarian cancer syndrome; Breast and ovarian cancer; BRCA1- and BRCA2-Associated Hereditary Breast and Ovarian Cancer; Hereditary breast and/or ovarian cancer syndrome. Identifiers: Orphanet 145, MedGen C0677776, MeSH D061325, MONDO:0003582. Disease mechanism: loss of function.
Hereditary cancer-predisposing syndrome. Also called: Tumor predisposition; Hereditary neoplastic syndrome; Neoplastic Syndromes, Hereditary; Hereditary Cancer Syndrome. Identifiers: Orphanet 140162, MedGen C0027672, MeSH D009386, MONDO:0015356.
Breast-ovarian cancer, familial, susceptibility to, 2 (BROVCA2). Also called: BRCA2 Hereditary Breast and Ovarian Cancer. Identifiers: Orphanet 145, MedGen C2675520, MONDO:0012933, OMIM 612555. Disease mechanism: loss of function.
Familial cancer of breast. Also called: BREAST CANCER, FAMILIAL; hereditary breast carcinoma; Hereditary breast cancer. Identifiers: Orphanet 227535, MedGen C0346153, MONDO:0016419, OMIM 114480. Disease mechanism: loss of function.

Allele frequency attached by ClinVar (database versions not stated): gnomAD exomes below 0.00001.
gnomAD v4.1: 1 of 1,613,848 alleles (0.000062%); highest among the groups gnomAD compares: Non-Finnish European, 0.000085%; no homozygotes.

Submissions (5):

Labcorp Genetics (formerly Invitae), Labcorp
Classification: Uncertain significance for Hereditary breast ovarian cancer syndrome. Last evaluated: 2026-01-26. Review status: criteria provided, single submitter. Criteria: Invitae Variant Classification Sherloc (09022015). Collection method: clinical testing. Allele origin: germline.
Comment: This sequence change replaces threonine, which is neutral and polar, with isoleucine, which is neutral and non-polar, at codon 2607 of the BRCA2 protein (p.Thr2607Ile). This variant is not present in population databases (gnomAD no frequency). This missense change has been observed in individual(s) with breast cancer (PMID: 18060494). This variant is also known as 8048C>T. ClinVar contains an entry for this variant (Variation ID: 482993). Invitae Evidence Modeling of protein sequence and biophysical properties (such as structural, functional, and spatial information, amino acid conservation, physicochemical variation, residue mobility, and thermodynamic stability) indicates that this missense variant is not expected to disrupt BRCA2 protein function with a negative predictive value of 95%. In summary, the available evidence is currently insufficient to determine the role of this variant in disease. Therefore, it has been classified as a Variant of Uncertain Significance.

Ambry Genetics
Classification: Likely benign for Hereditary cancer-predisposing syndrome. Last evaluated: 2025-05-02. Review status: criteria provided, single submitter. Criteria: Ambry Variant Classification Scheme 2023. Collection method: clinical testing. Allele origin: germline.

Dasa
Classification: Uncertain significance for Breast-ovarian cancer, familial, susceptibility to, 2. Last evaluated: 2025-02-23. Review status: criteria provided, single submitter. Criteria: DASA Assertion Criteria. Collection method: clinical testing. Allele origin: germline.
Comment: NM_000059.4(BRCA2):c.7820C>T (p.Thr2607Ile) is a missense variant that results in the substitution of threonine with isoleucine. This variant is rare in population databases. Computational prediction algorithms are consistent with a benign effect. The currently available literature and clinical evidence are not sufficient to establish a definitive association between this variant and the reported condition. Therefore, this variant is classified as a variant of uncertain significance.

Baylor Genetics
Classification: Uncertain significance for Familial cancer of breast. Last evaluated: 2023-05-16. Review status: criteria provided, single submitter. Criteria: ACMG Guidelines, 2015. Collection method: clinical testing. Allele origin: unknown.

King Laboratory, University of Washington
Classification: Benign. Last evaluated: 2019-09-01. Review status: no assertion criteria provided. Collection method: research. Allele origin: germline. Affected: yes. Not counted in ClinVar's aggregate classification.
Comment: Transcript analysis by cBROCA

Literature cited by the submitters: PubMed 18060494 (cited by Labcorp Genetics (formerly Invitae), Labcorp and Ambry Genetics); PubMed 21918853 (cited by Ambry Genetics); PubMed 31843900 (cited by King Laboratory, University of Washington).